The following is an entry in ClinVar:

ClinVar aggregate classification (germline): Benign (1 of 4 stars; one submission).

Allele frequency attached by ClinVar (database versions not stated): ESP Exome Variant Server 0.01866; 1000 Genomes Project 0.01917; gnomAD 0.01964 and 0.02110; 1000 Genomes Project 30x 0.02092; TOPMed 0.02190; gnomAD exomes 0.00336 and 0.00553; ExAC 0.00579.
gnomAD v4.1: 5,152 of 758,944 alleles (0.68%); highest among the groups gnomAD compares: African/African-American, 6.2%; 131 homozygotes.

Submission:

Biesecker Lab/Clinical Genomics Section, National Institutes of Health
Classification: Benign. Last evaluated: 2013-06-24. Review status: criteria provided, single submitter. Criteria: Ng et al. (Circ Cardiovasc Genet. 2013). Collection method: research. Allele origin: unknown. Observed: 7 variant alleles. Study: ClinSeq.
Comment: The study set was not selected for affection status in relation to any cancer. Pathogenicity categories were based on literature curation. See Pubmed ID:23861362 for details.

Medical sequencing

NM_001105206.3(LAMA4):c.297+2368G>A

Gene: LAMA4 (laminin subunit alpha 4; minus strand). Cytogenetic location: 6q21.
Variant type: single nucleotide variant.
Coding change: c.297+2368G>A on transcript NM_001105206.3 (MANE Select); 2368 bases into the intron after coding-DNA position 297, G replaced by A.
Molecular consequence: intron variant.
Genome position (GRCh38, 1-based): chr6:112,214,000, C>T on the plus strand (G>A on the coding strand, the complement: LAMA4 is on the minus strand). VCF-style: chr6-112214000-C-T. GRCh37 (hg19) VCF-style: chr6-112535201-C-T.
Other names: c.297+2368G>A (LRG_433t2, NM_002290.5, NM_001105207.3).
Identifiers: ClinVar variation 192187 (VCV000192187.1), dbSNP rs75992359, ClinGen allele CA213112.